The following is an entry in ClinVar:

NM_000132.4(F8):c.6302A>G (p.His2101Arg)

Gene: F8 (coagulation factor VIII; minus strand). Cytogenetic location: Xq28.
Variant type: single nucleotide variant.
Coding change: c.6302A>G on transcript NM_000132.4 (MANE Select); coding-DNA position 6302, A replaced by G.
Protein change: p.His2101Arg; replaces histidine 2101 with arginine.
Molecular consequence: missense variant.
Genome position (GRCh38, 1-based): chrX:154,896,204, T>C on the plus strand (A>G on the coding strand, the complement: F8 is on the minus strand). VCF-style: chrX-154896204-T-C. GRCh37 (hg19) VCF-style: chrX-154124479-T-C.
Other names: p.His2101Arg; short protein forms H2101R.
Identifiers: ClinVar variation 3380939 (VCV003380939.3).

ClinVar aggregate classification (germline): Conflicting classifications of pathogenicity. Review status: criteria provided, conflicting classifications (1 of 4 stars). 3 submissions from 3 submitters: Likely pathogenic (1); Uncertain significance (2). Last evaluated 2026-03-19.

gnomAD v4.1: 5 of 1,209,297 alleles (0.00041%); highest among the groups gnomAD compares: Admixed American, 0.0088%; no homozygotes.

Submissions (3):

GeneDx
Classification: Uncertain significance. Last evaluated: 2026-03-19. Review status: criteria provided, single submitter. Criteria: GeneDx Variant Classification Process June 2021. Collection method: clinical testing. Allele origin: germline.
Comment: Reported in association with hemophilia in published literature (PMID: 35770352); however, detailed proband clinical information not provided; In silico analysis supports that this missense variant has a deleterious effect on protein structure/function; This variant is associated with the following publications: (PMID: 29296726, 35770352)

Women's Health and Genetics/Laboratory Corporation of America, LabCorp
Classification: Uncertain significance. Last evaluated: 2025-07-21. Review status: criteria provided, single submitter. Criteria: LabCorp Variant Classification Summary - May 2015. Collection method: clinical testing. Allele origin: germline.
Comment: Variant summary: F8 c.6302A>G (p.His2101Arg) results in a non-conservative amino acid change in the encoded protein sequence. Algorithms developed to predict the effect of missense changes on protein structure and function all suggest that this variant is likely to be disruptive. The variant allele was found at a frequency of 2.2e-05 in 183272 control chromosomes (gnomAD). c.6302A>G has been observed in individuals affected with Factor VIII Deficiency (Hemophilia A)(Johnsen_2017). These data indicate that the variant may be associated with disease. To our knowledge, no experimental evidence demonstrating an impact on protein function has been reported. ClinVar contains an entry for this variant (Variation ID: 3380939). Based on the evidence outlined above, the variant was classified as VUS-possibly pathogenic.

Mayo Clinic Laboratories, Mayo Clinic
Classification: Likely pathogenic. Last evaluated: 2024-02-28. Review status: criteria provided, single submitter. Criteria: ACMG Guidelines, 2015. Collection method: clinical testing. Allele origin: germline. Observed: 2 variant alleles.
Comment: PP3, PP5, PM1_supporting, PM2_moderate, PM5, PS4_moderate

Literature cited by the submitters: PubMed 29296726 (cited by Women's Health and Genetics/Laboratory Corporation of America, LabCorp and Mayo Clinic Laboratories, Mayo Clinic); PubMed 23577035 (cited by Mayo Clinic Laboratories, Mayo Clinic).